The following is an entry in ClinVar:

ClinVar aggregate classification (germline): Likely pathogenic (1 of 4 stars; one submission).

Conditions:
Hypertrichotic osteochondrodysplasia Cantu type. Also called: Cantu Syndrome; Cantú Syndrome. Identifiers: Orphanet 1517, MedGen C0795905, MONDO:0009406, OMIM 239850.

Submission:

Laboratorio de Biologia Molecular/Medicina Genomica - IFF/Fiocruz, Instituto Fernandes Figueira, Fundacao Oswaldo Cruz
Classification: Likely pathogenic for Cantu Syndrome. Last evaluated: 2025-09-02. Review status: criteria provided, single submitter. Criteria: ACMG Guidelines, 2015. Collection method: clinical testing. Allele origin: de novo. Affected: yes. Observed: 1 variant allele.
Comment: Variant: c.767G>T (p.Arg256Ile) in exon 7 of the ABCC9 gene. Protein effect: Missense substitution at a highly conserved residue. In silico tools: Predict a deleterious impact. Population database (gnomAD): Absent or Extremely rare. Segregation/phase data: Internal segregation analysis supports a de novo occurrence. ACMG/AMP criteria applied: PM2_Supporting, PM6, PP3, PP4_Strong.

NM_020297.4(ABCC9):c.767G>T (p.Arg256Ile)

Gene: ABCC9 (ATP binding cassette subfamily C member 9; minus strand). Cytogenetic location: 12p12.1.
Variant type: single nucleotide variant.
Coding change: c.767G>T on transcript NM_020297.4 (MANE Select); coding-DNA position 767, G replaced by T.
Protein change: p.Arg256Ile; replaces arginine 256 with isoleucine.
Molecular consequence: missense variant. On other transcripts: intron variant (1).
Genome position (GRCh38, 1-based): chr12:21,915,717, C>A on the plus strand (G>T on the coding strand, the complement: ABCC9 is on the minus strand). VCF-style: chr12-21915717-C-A. GRCh37 (hg19) VCF-style: chr12-22068651-C-A.
Other names: c.767G>T, p.Arg256Ile (NM_001377273.1, NM_005691.4); c.-48-2651G>T (NM_001377274.1); short protein forms R256I.
Identifiers: ClinVar variation 4795189 (VCV004795189.1).
Genomic context (GRCh38, chr12:21,915,717, plus strand): 5'-CGCTAAATCACCTTTTGTTCTTCATATGCATCTTTCAGGCAAACATAATTTGTTACTGCT[C>A]TCATTGCTATTGGCAATTTTCCAATTGCCTTCAGATCAATAGGCTTTTTGTGAGCAGATA-3'
Protein context (NP_064693.2, residues 246-266): KAIGKLPIAM[Arg256Ile]AVTNYVCLKD